The following is an entry in ClinVar:

ClinVar aggregate classification (germline): Uncertain significance. Review status: criteria provided, multiple submitters, no conflicts (2 of 4 stars). 2 submissions from 2 submitters: Uncertain significance (2). Last evaluated 2022-08-03.

Conditions:
Inborn genetic diseases. Identifiers: MedGen C0950123, MeSH D030342.

Allele frequency attached by ClinVar (database versions not stated): ExAC 0.00001; gnomAD 0.00004; gnomAD exomes 0.00004 and 0.00008; TOPMed 0.00004; ESP Exome Variant Server 0.00008.
gnomAD v4.1: 119 of 1,609,640 alleles (0.0074%); highest among the groups gnomAD compares: Non-Finnish European, 0.0093%; no homozygotes.

Submissions (2):

Ambry Genetics
Classification: Uncertain significance for Inborn genetic diseases. Last evaluated: 2022-08-03. Review status: criteria provided, single submitter. Criteria: Ambry Variant Classification Scheme 2023. Collection method: clinical testing. Allele origin: germline.

Labcorp Genetics (formerly Invitae), Labcorp
Classification: Uncertain significance. Last evaluated: 2021-09-17. Review status: criteria provided, single submitter. Criteria: Invitae Variant Classification Sherloc (09022015). Collection method: clinical testing. Allele origin: germline.
Comment: This sequence change replaces isoleucine with valine at codon 305 of the MDH2 protein (p.Ile305Val). The isoleucine residue is weakly conserved and there is a small physicochemical difference between isoleucine and valine. This variant is present in population databases (rs370912885, ExAC 0.001%). This variant has not been reported in the literature in individuals affected with MDH2-related conditions. Algorithms developed to predict the effect of missense changes on protein structure and function (SIFT, PolyPhen-2, Align-GVGD) all suggest that this variant is likely to be tolerated. In summary, the available evidence is currently insufficient to determine the role of this variant in disease. Therefore, it has been classified as a Variant of Uncertain Significance.

NM_005918.4(MDH2):c.913A>G (p.Ile305Val)

Gene: MDH2 (malate dehydrogenase 2; plus strand). Cytogenetic location: 7q11.23.
Variant type: single nucleotide variant.
Coding change: c.913A>G on transcript NM_005918.4 (MANE Select); coding-DNA position 913, A replaced by G.
Protein change: p.Ile305Val; replaces isoleucine 305 with valine.
Molecular consequence: missense variant.
Genome position (GRCh38, 1-based): chr7:76,066,306, A>G. VCF-style: chr7-76066306-A-G. GRCh37 (hg19) VCF-style: chr7-75695624-A-G.
Other names: c.787A>G, p.Ile263Val (NM_001282403.2); c.592A>G, p.Ile198Val (NM_001282404.2); c.913A>G (NM_005918.2); short protein forms I263V, I305V, I198V.
Identifiers: ClinVar variation 1483114 (VCV001483114.6), dbSNP rs370912885, ClinGen allele CA4305769.
Genomic context (GRCh38, chr7:76,066,306, plus strand): 5'-AACTTCATTTTAACATGTTCCCATCTCCCTCAGAAAAAGGGCATCGAGAAGAACCTGGGC[A>G]TCGGCAAAGTCTCCTCTTTTGAGGAGAAGATGATCTCGGATGCCATCCCCGAGCTGAAGG-3'
Protein context (NP_005909.2, residues 295-315): GKKGIEKNLG[Ile305Val]GKVSSFEEKM